The following is an entry in ClinVar:

ClinVar aggregate classification (germline): Uncertain significance (1 of 4 stars; one submission).

Conditions:
Glycogen storage disease IXb (GSD9B). Also called: PHOSPHORYLASE KINASE DEFICIENCY OF LIVER AND MUSCLE, AUTOSOMAL RECESSIVE; GLYCOGENOSIS OF LIVER AND MUSCLE, AUTOSOMAL RECESSIVE; GSD IXb. Identifiers: Orphanet 79240, MedGen C0543514, MONDO:0009868, OMIM 261750.

Allele frequency attached by ClinVar (database versions not stated): gnomAD exomes below 0.00001.
gnomAD v4.1: 6 of 1,611,896 alleles (0.00037%); highest among the groups gnomAD compares: Admixed American, 0.005%; no homozygotes.

Submission:

Labcorp Genetics (formerly Invitae), Labcorp
Classification: Uncertain significance for Glycogen storage disease IXb. Last evaluated: 2021-12-24. Review status: criteria provided, single submitter. Criteria: Invitae Variant Classification Sherloc (09022015). Collection method: clinical testing. Allele origin: germline.
Comment: This sequence change replaces arginine, which is basic and polar, with lysine, which is basic and polar, at codon 771 of the PHKB protein (p.Arg771Lys). This variant is present in population databases (no rsID available, gnomAD 0.009%). This variant has not been reported in the literature in individuals affected with PHKB-related conditions. Algorithms developed to predict the effect of missense changes on protein structure and function (SIFT, PolyPhen-2, Align-GVGD) all suggest that this variant is likely to be tolerated. In summary, the available evidence is currently insufficient to determine the role of this variant in disease. Therefore, it has been classified as a Variant of Uncertain Significance.

NM_000293.3(PHKB):c.2312G>A (p.Arg771Lys)

Gene: PHKB (phosphorylase kinase regulatory subunit beta; plus strand). Cytogenetic location: 16q12.1.
Variant type: single nucleotide variant.
Coding change: c.2312G>A on transcript NM_000293.3 (MANE Select); coding-DNA position 2312, G replaced by A.
Protein change: p.Arg771Lys; replaces arginine 771 with lysine.
Molecular consequence: missense variant.
Genome position (GRCh38, 1-based): chr16:47,663,710, G>A. VCF-style: chr16-47663710-G-A. GRCh37 (hg19) VCF-style: chr16-47697621-G-A.
Other names: c.2291G>A, p.Arg764Lys (NM_001031835.3); c.2312G>A, p.Arg771Lys (NM_001363837.1); short protein forms R771K, R764K.
Identifiers: ClinVar variation 1975224 (VCV001975224.5), dbSNP rs1281119325, ClinGen allele CA395789452.
Genomic context (GRCh38, chr16:47,663,710, plus strand): 5'-ACAAAGACTCTATTATCCAATGTCTAGGTACCGTTTCTGATCACATTGAGAGAGTCTATA[G>A]AAGAGCTGGCAGCCAAAAACTTTGGTTTGTATTAGTGTCCTTGTTGTTATGTTTTATTTT-3'
Protein context (NP_000284.1, residues 761-781): TVSDHIERVY[Arg771Lys]RAGSQKLWLA